The following is an entry in ClinVar:

ClinVar aggregate classification (germline): Likely benign (1 of 4 stars; one submission).

Submission:

CeGaT Center for Human Genetics Tuebingen
Classification: Likely benign. Last evaluated: 2025-04-01. Review status: criteria provided, single submitter. Criteria: CeGaT Center For Human Genetics Tuebingen Variant Classification Criteria Version 2. Collection method: clinical testing. Allele origin: germline. Affected: yes. Observed: 1 variant allele.
Comment: AHNAK2: BP4, BP7

NM_138420.4(AHNAK2):c.5223C>G (p.Leu1741=)

Gene: AHNAK2 (AHNAK nucleoprotein 2; minus strand). Cytogenetic location: 14q32.33.
Variant type: single nucleotide variant.
Coding change: c.5223C>G on transcript NM_138420.4 (MANE Select); coding-DNA position 5223, C replaced by G.
Protein change: p.Leu1741=; no amino-acid change (leucine 1741 retained).
Molecular consequence: synonymous variant.
Genome position (GRCh38, 1-based): chr14:104,950,228, G>C on the plus strand (C>G on the coding strand, the complement: AHNAK2 is on the minus strand). VCF-style: chr14-104950228-G-C. GRCh37 (hg19) VCF-style: chr14-105416565-G-C.
Other names: c.4923C>G, p.Leu1641= (NM_001350929.2).
Identifiers: ClinVar variation 3898199 (VCV003898199.7).